The following is an entry in ClinVar:

ClinVar aggregate classification (germline): Uncertain significance (1 of 4 stars; one submission).

Conditions:
Cardiomyopathy (CMYO). Also called: Cardiomyopathies. Identifiers: Orphanet 167848, MedGen C0878544, MONDO:0004994, HP:0001638. Inheritance: Various modes of inheritance.

Submission:

Color Diagnostics, LLC DBA Color Health
Classification: Uncertain significance for Cardiomyopathy. Last evaluated: 2023-12-05. Review status: criteria provided, single submitter. Criteria: ACMG Guidelines, 2015. Collection method: clinical testing. Allele origin: germline.
Comment: Variant of Uncertain Significance due to insufficient evidence: This missense variant is located in the cytoplasmic domain of the RYR2 protein. Computational prediction tools and conservation analyses suggest that this variant may have deleterious impact on the protein function. Computational splicing tools suggest that this variant may not impact RNA splicing. To our knowledge, functional assays have not been performed for this variant nor has this variant been reported in individuals affected with cardiovascular disorders in the literature. This variant is rare in the general population and has been identified in 0/277264 chromosomes by the Genome Aggregation Database (gnomAD). Available evidence is insufficient to determine the pathogenicity of this variant conclusively.

NM_001035.3(RYR2):c.8218G>A (p.Gly2740Arg)

Gene: RYR2 (ryanodine receptor 2; plus strand). Cytogenetic location: 1q43.
Variant type: single nucleotide variant.
Coding change: c.8218G>A on transcript NM_001035.3 (MANE Select); coding-DNA position 8218, G replaced by A.
Protein change: p.Gly2740Arg; replaces glycine 2740 with arginine.
Molecular consequence: missense variant.
Genome position (GRCh38, 1-based): chr1:237,659,994, G>A. VCF-style: chr1-237659994-G-A. GRCh37 (hg19) VCF-style: chr1-237823294-G-A.
Other names: c.8218G>A, p.Gly2740Arg (LRG_402t1); short protein forms G2740R.
Identifiers: ClinVar variation 629491 (VCV000629491.4), dbSNP rs1558161320, ClinGen allele CA345401324.
Genomic context (GRCh38, chr1:237,659,994, plus strand): 5'-CTCTAAAATTAACACGTGTAAAACAATTTTTAATGTTTGCCTTTTTTTAAGTTGGCAAAT[G>A]GATGGATTTATGGAGAAATATATTCAGACTCTTCTAAGGTTCAGCCATTAATGAAGCCAT-3'
Protein context (NP_001026.2, residues 2730-2750): DKWSMDKLAN[Gly2740Arg]WIYGEIYSDS